The following is an entry in ClinVar:

NM_003482.4(KMT2D):c.12605A>C (p.Gln4202Pro)

Gene: KMT2D (lysine methyltransferase 2D; minus strand). Cytogenetic location: 12q13.12.
Variant type: single nucleotide variant.
Coding change: c.12605A>C on transcript NM_003482.4 (MANE Select); coding-DNA position 12605, A replaced by C.
Protein change: p.Gln4202Pro; replaces glutamine 4202 with proline.
Molecular consequence: missense variant.
Genome position (GRCh38, 1-based): chr12:49,032,100, T>G on the plus strand (A>C on the coding strand, the complement: KMT2D is on the minus strand). VCF-style: chr12-49032100-T-G. GRCh37 (hg19) VCF-style: chr12-49425883-T-G.
Other names: short protein forms Q4202P.
Identifiers: ClinVar variation 1701767 (VCV001701767.8), dbSNP rs1276517318, ClinGen allele CA384710522.

ClinVar aggregate classification (germline): Uncertain significance. Review status: criteria provided, multiple submitters, no conflicts (2 of 4 stars). 4 submissions from 4 submitters: Uncertain significance (4). Last evaluated 2026-02-23.

Conditions:
KMT2D-related disorder. Also called: KMT2D-Related Disorders.
Kabuki syndrome. Also called: NIIKAWA-KUROKI SYNDROME; Kabuki make-up syndrome. Identifiers: Orphanet 2322, MedGen C0796004, MONDO:0016512.
Kabuki syndrome 1 (KABUK1). Also called: KMT2D-Related Kabuki Syndrome. Identifiers: Orphanet 2322, MedGen CN030661, MONDO:0007843, OMIM 147920.

Allele frequency attached by ClinVar (database versions not stated): gnomAD 0.00001; TOPMed 0.00002.
gnomAD v4.1: 1 of 1,613,718 alleles (0.000062%); highest among the groups gnomAD compares: Admixed American, 0.0017%; no homozygotes.

Submissions (4):

PreventionGenetics, part of Exact Sciences
Classification: Uncertain significance for KMT2D-related condition. Last evaluated: 2026-02-23. Review status: criteria provided, single submitter. Criteria: ACMG Guidelines, 2015. Collection method: clinical testing. Allele origin: germline.
Comment: The KMT2D c.12605A>C variant is predicted to result in the amino acid substitution p.Gln4202Pro. This variant was reported in the compound heterozygous state in an individual with congenital heart disease (Supplementary Data 6, Watkins et al 2019. PubMed ID: 31624253). This variant has not been reported in a large population database (gnomAD), indicating this variant is rare. At this time, the clinical significance of this variant is uncertain due to the absence of conclusive functional and genetic evidence.

Labcorp Genetics (formerly Invitae), Labcorp
Classification: Uncertain significance for Kabuki syndrome. Last evaluated: 2025-05-12. Review status: criteria provided, single submitter. Criteria: Invitae Variant Classification Sherloc (09022015). Collection method: clinical testing. Allele origin: germline.
Comment: This sequence change replaces glutamine, which is neutral and polar, with proline, which is neutral and non-polar, at codon 4202 of the KMT2D protein (p.Gln4202Pro). This variant is not present in population databases (gnomAD no frequency). This missense change has been observed in individual(s) with congenital heart disease (PMID: 31624253). ClinVar contains an entry for this variant (Variation ID: 1701767). Invitae Evidence Modeling of protein sequence and biophysical properties (such as structural, functional, and spatial information, amino acid conservation, physicochemical variation, residue mobility, and thermodynamic stability) indicates that this missense variant is not expected to disrupt KMT2D protein function with a negative predictive value of 95%. In summary, the available evidence is currently insufficient to determine the role of this variant in disease. Therefore, it has been classified as a Variant of Uncertain Significance.

Women's Health and Genetics/Laboratory Corporation of America, LabCorp
Classification: Uncertain significance. Last evaluated: 2023-10-30. Review status: criteria provided, single submitter. Criteria: LabCorp Variant Classification Summary - May 2015. Collection method: clinical testing. Allele origin: germline.
Comment: Variant summary: MLL2 c.12605A>C (p.Gln4202Pro) results in a non-conservative amino acid change in the encoded protein sequence. Five of five in-silico tools predict a damaging effect of the variant on protein function. The variant was absent in 248806 control chromosomes (gnomAD). The available data on variant occurrences in the general population are insufficient to allow any conclusion about variant significance. c.12605A>C has been reported in the literature in an individual affected with congenital heart disease (example: Watkins_2019). This report does not provide unequivocal conclusions about association of the variant with Kabuki Syndrome 1. To our knowledge, no experimental evidence demonstrating an impact on protein function has been reported. The following publication has been ascertained in the context of this evaluation (PMID: 31624253).Two submitters have cited clinical-significance assessments for this variant to ClinVar after 2014. All submitters classified the variant as uncertain significance. Based on the evidence outlined above, the variant was classified as uncertain significance.

New York Genome Center
Classification: Uncertain significance for Kabuki syndrome 1. Last evaluated: 2021-09-14. Review status: criteria provided, single submitter. Criteria: NYGC Assertion Criteria 2020. Collection method: clinical testing. Allele origin: germline. Observed: 1 heterozygote. Study: CSER-NYCKidSeq.

Literature cited by the submitters: PubMed 31624253 (cited by Labcorp Genetics (formerly Invitae), Labcorp and Women's Health and Genetics/Laboratory Corporation of America, LabCorp).